The following is an entry in ClinVar:

ClinVar aggregate classification (germline): Uncertain significance. Review status: criteria provided, multiple submitters, no conflicts (2 of 4 stars). 5 submissions from 5 submitters: Uncertain significance (4). 1 of the submissions does not count toward it. Last evaluated 2024-10-22.

Conditions:
Hermansky-Pudlak syndrome 1 (HPS1). Also called: DELTA STORAGE POOL DISEASE. Identifiers: Orphanet 231500, Orphanet 79430, MedGen C2931875, MONDO:0008748, OMIM 203300.

Allele frequency attached by ClinVar (database versions not stated): TOPMed 0.00006; ESP Exome Variant Server 0.00016.
gnomAD v4.1: 65 of 1,554,162 alleles (0.0042%); highest among the groups gnomAD compares: Middle Eastern, 0.14%; no homozygotes.

Submissions (5):

Labcorp Genetics (formerly Invitae), Labcorp
Classification: Uncertain significance. Last evaluated: 2024-10-22. Review status: criteria provided, single submitter. Criteria: Invitae Variant Classification Sherloc (09022015). Collection method: clinical testing. Allele origin: germline.
Comment: This sequence change replaces arginine, which is basic and polar, with histidine, which is basic and polar, at codon 230 of the HPS1 protein (p.Arg230His). This variant is present in population databases (rs377752969, gnomAD 0.02%). This variant has not been reported in the literature in individuals affected with HPS1-related conditions. ClinVar contains an entry for this variant (Variation ID: 1684358). Invitae Evidence Modeling of protein sequence and biophysical properties (such as structural, functional, and spatial information, amino acid conservation, physicochemical variation, residue mobility, and thermodynamic stability) indicates that this missense variant is not expected to disrupt HPS1 protein function with a negative predictive value of 95%. In summary, the available evidence is currently insufficient to determine the role of this variant in disease. Therefore, it has been classified as a Variant of Uncertain Significance.

Fulgent Genetics
Classification: Uncertain significance for Hermansky-Pudlak syndrome 1. Last evaluated: 2024-06-12. Review status: criteria provided, single submitter. Criteria: ACMG Guidelines, 2015. Collection method: clinical testing. Allele origin: germline.

Breakthrough Genomics
Classification: Uncertain significance. Review status: criteria provided, single submitter. Criteria: ACMG Guidelines, 2015. Collection method: not provided. Allele origin: germline. Inheritance: Autosomal recessive inheritance. Affected: yes.

Neuberg Centre For Genomic Medicine, NCGM
Classification: Uncertain significance for Hermansky-Pudlak syndrome 1. Review status: criteria provided, single submitter. Criteria: ACMG Guidelines, 2015. Collection method: clinical testing. Allele origin: germline. Inheritance: Autosomal recessive inheritance. Affected: yes.
Comment: The missense variant p.R230H in HPS1 (NM_000195.5) has not been reported previously as a pathogenic variant nor as a benign variant, to our knowledge. The p.R230H variant is observed in 7/25,022 (0.028%) alleles from individuals of Latino background in gnomAD Exomes and is novel (not in any individuals) in 1000 Genomes.In silico predictions are damaging and the residue is weakly conserved across residues. For these reasons, this variant has been classified as Uncertain Significance. The variant is present in 70% reads and hence zygosity is not confirmed.

ISTH-SSC Genomics in Thrombosis and Hemostasis, KU Leuven, Center for Molecular and Vascular Biology
Classification: Uncertain significance for Hermansky-Pudlak syndrome 1. Review status: no assertion criteria provided. Collection method: research. Allele origin: unknown. Affected: yes. Not counted in ClinVar's aggregate classification.
Comment: Submitted to GoldVariant by Dr Marie-Christine Morel-Kopp from Northern Blood Research Centre, Sydney, Australia

NM_000195.5(HPS1):c.689G>A (p.Arg230His)

Gene: HPS1 (HPS1 biogenesis of lysosomal organelles complex 3 subunit 1; minus strand). Cytogenetic location: 10q24.2.
Variant type: single nucleotide variant.
Coding change: c.689G>A on transcript NM_000195.5 (MANE Select); coding-DNA position 689, G replaced by A.
Protein change: p.Arg230His; replaces arginine 230 with histidine.
Molecular consequence: missense variant. On other transcripts: 5 prime UTR variant (3).
Genome position (GRCh38, 1-based): chr10:98,430,650, C>T on the plus strand (G>A on the coding strand, the complement: HPS1 is on the minus strand). VCF-style: chr10-98430650-C-T. GRCh37 (hg19) VCF-style: chr10-100190407-C-T.
Other names: c.-185G>A (NM_001311345.2, NM_001322489.2); c.689G>A, p.Arg230His (NM_001322476.2, NM_001322477.2, NM_001322478.2 and 3 more transcripts); c.428G>A, p.Arg143His (NM_001322480.2, NM_001322481.2, NM_001322482.2); c.320G>A, p.Arg107His (NM_001322483.2, NM_001322484.2, NM_001322485.2); c.-284G>A (NM_001322487.2); c.571G>A, p.Ala191Thr (NM_001322490.2, NM_001322492.2); short protein forms A191T, R107H, R143H, R230H.
Identifiers: ClinVar variation 1684358 (VCV001684358.7), dbSNP rs377752969, ClinGen allele CA5639317.